The following is an entry in ClinVar:

NM_032638.5(GATA2):c.1019_1020insCGACTGGGAGGGCAAGGCAG (p.Ala341fs)

Gene: GATA2 (GATA binding protein 2; minus strand). Cytogenetic location: 3q21.3.
Variant type: Insertion.
Coding change: c.1019_1020insCGACTGGGAGGGCAAGGCAG on transcript NM_032638.5 (MANE Select); coding-DNA positions 1019 to 1020, CGACTGGGAGGGCAAGGCAG inserted.
Protein change: p.Ala341fs; shifts the reading frame from alanine 341.
Molecular consequence: frameshift variant. On other transcripts: intron variant (1).
Genome position: GRCh38 VCF-style: chr3-128481942-C-CCTGCCTTGCCCTCCCAGTCG. GRCh37 (hg19) VCF-style: chr3-128200785-C-CCTGCCTTGCCCTCCCAGTCG.
Other names: c.1019_1020insCGACTGGGAGGGCAAGGCAG, p.Ala341fs (NM_001145661.2); c.1018-41_1018-40insCGACTGGGAGGGCAAGGCAG (NM_001145662.1); short protein forms A341fs.
Identifiers: ClinVar variation 1184186 (VCV001184186.1), dbSNP rs2107668860, ClinGen allele CA916079814.

ClinVar aggregate classification (germline): Pathogenic (1 of 4 stars; one submission).

Conditions:
Deafness-lymphedema-leukemia syndrome. Also called: Emberger syndrome; Lymphedema, primary, with myelodysplasia. Identifiers: Orphanet 3226, MedGen C3279664, MONDO:0013540, OMIM 614038.
GATA2 deficiency with susceptibility to MDS/AML. Identifiers: MedGen CN300066, MONDO:0042982.

Submission:

Molecular Pathology Research Laboratory, SA Pathology
Classification: Pathogenic for GATA2 deficiency with susceptibility to MDS/AML; Deafness-lymphedema-leukemia syndrome. Last evaluated: 2021-07-06. Review status: criteria provided, single submitter. Criteria: ACMG Guidelines, 2015. Collection method: curation. Allele origin: unknown. Inheritance: Autosomal dominant inheritance. Affected: yes. Observed: 1 variant allele.
Comment: PVS1, PS4_Supporting, PM2

Literature cited by the submitters: PubMed 29189513.